The following is an entry in ClinVar:

NM_000023.4(SGCA):c.202G>T (p.Gly68Ter)

Gene: SGCA (sarcoglycan alpha; plus strand). Cytogenetic location: 17q21.33.
Variant type: single nucleotide variant.
Coding change: c.202G>T on transcript NM_000023.4 (MANE Select); coding-DNA position 202, G replaced by T.
Protein change: p.Gly68Ter; replaces glycine 68 with a stop codon.
Molecular consequence: nonsense. On other transcripts: non-coding transcript variant (1).
Genome position (GRCh38, 1-based): chr17:50,167,626, G>T. VCF-style: chr17-50167626-G-T. GRCh37 (hg19) VCF-style: chr17-48244987-G-T.
Other names: c.202G>T, p.Gly68Ter (NM_001135697.3); short protein forms G68*.
Identifiers: ClinVar variation 5015388 (VCV005015388.1).

ClinVar aggregate classification (germline): Pathogenic (1 of 4 stars; one submission).

Conditions:
Autosomal recessive limb-girdle muscular dystrophy type 2D (LGMDR3). Also called: ADHALINOPATHY, PRIMARY; DUCHENNE-LIKE AUTOSOMAL RECESSIVE MUSCULAR DYSTROPHY, TYPE 2; MUSCULAR DYSTROPHY, LIMB-GIRDLE, AUTOSOMAL RECESSIVE 3. Identifiers: Orphanet 62, MedGen C2936332, MONDO:0011968, OMIM 608099. Disease mechanism: Affects gamma-sarcoglycan and also disrupts the integrity of the entire sarcoglycan complex..

Submission:

Myriad Genetics, Inc.
Classification: Pathogenic for Autosomal recessive limb-girdle muscular dystrophy type 2D. Last evaluated: 2026-01-02. Review status: criteria provided, single submitter. Criteria: Myriad Autosomal Dominant, Autosomal Recessive and X-Linked Classification Criteria (2023). Collection method: clinical testing. Allele origin: unknown.
Comment: NM_000023.2(SGCA):c.202G>T(G68*) is expected to be pathogenic in the context of alpha-sarcoglycanopathy. This variant is predicted to lead to an abnormal or absent protein product due to the creation of a premature termination codon in SGCA, a gene where loss-of-function variants are known to be pathogenic. Please note: this variant was assessed in the context of healthy population screening.